The following is an entry in ClinVar:

NM_201548.5(CERKL):c.1475A>G (p.Glu492Gly)

Gene: CERKL (CERK like autophagy regulator; minus strand). Cytogenetic location: 2q31.3.
Variant type: single nucleotide variant.
Coding change: c.1475A>G on transcript NM_201548.5 (MANE Select); coding-DNA position 1475, A replaced by G.
Protein change: p.Glu492Gly; replaces glutamic acid 492 with glycine.
Molecular consequence: missense variant. On other transcripts: non-coding transcript variant (2).
Genome position (GRCh38, 1-based): chr2:181,539,155, T>C on the plus strand (A>G on the coding strand, the complement: CERKL is on the minus strand). VCF-style: chr2-181539155-T-C. GRCh37 (hg19) VCF-style: chr2-182403882-T-C.
Other names: c.1553A>G, p.Glu518Gly (NM_001030311.3); c.1136A>G, p.Glu379Gly (NM_001030312.3); c.1268A>G, p.Glu423Gly (NM_001030313.3); c.1421A>G, p.Glu474Gly (NM_001160277.2); c.1553A>G (NM_001030311.2); short protein forms E474G, E518G, E379G, E423G, E492G.
Identifiers: ClinVar variation 1403337 (VCV001403337.7), dbSNP rs373370395, ClinGen allele CA2010414.

ClinVar aggregate classification (germline): Uncertain significance. Review status: criteria provided, multiple submitters, no conflicts (2 of 4 stars). 4 submissions from 4 submitters: Uncertain significance (4). Last evaluated 2026-07-22.

Conditions:
CERKL-related disorder. Also called: CERKL-related condition.
Inborn genetic diseases. Identifiers: MedGen C0950123, MeSH D030342.

Allele frequency attached by ClinVar (database versions not stated): gnomAD exomes 0.00001 and 0.00003; ExAC 0.00005; gnomAD 0.00013 and 0.00014; TOPMed 0.00018.
gnomAD v4.1: 31 of 1,610,172 alleles (0.0019%); highest among the groups gnomAD compares: African/African-American, 0.037%; no homozygotes.

Submissions (4):

PreventionGenetics, part of Exact Sciences
Classification: Uncertain significance for CERKL-related condition. Last evaluated: 2026-07-22. Review status: criteria provided, single submitter. Criteria: ACMG Guidelines, 2015. Collection method: clinical testing. Allele origin: germline.
Comment: The CERKL c.1553A>G variant is predicted to result in the amino acid substitution p.Glu518Gly. To our knowledge, this variant has not been reported in the literature. This variant is reported in 0.040% of alleles in individuals of African descent in gnomAD. At this time, the clinical significance of this variant is uncertain due to the absence of conclusive functional and genetic evidence.

Labcorp Genetics (formerly Invitae), Labcorp
Classification: Uncertain significance. Last evaluated: 2024-12-02. Review status: criteria provided, single submitter. Criteria: Invitae Variant Classification Sherloc (09022015). Collection method: clinical testing. Allele origin: germline.
Comment: This sequence change replaces glutamic acid, which is acidic and polar, with glycine, which is neutral and non-polar, at codon 518 of the CERKL protein (p.Glu518Gly). This variant is present in population databases (rs373370395, gnomAD 0.04%). This variant has not been reported in the literature in individuals affected with CERKL-related conditions. ClinVar contains an entry for this variant (Variation ID: 1403337). Invitae Evidence Modeling of protein sequence and biophysical properties (such as structural, functional, and spatial information, amino acid conservation, physicochemical variation, residue mobility, and thermodynamic stability) indicates that this missense variant is not expected to disrupt CERKL protein function with a negative predictive value of 95%. In summary, the available evidence is currently insufficient to determine the role of this variant in disease. Therefore, it has been classified as a Variant of Uncertain Significance.

Ambry Genetics
Classification: Uncertain significance for Inborn genetic diseases. Last evaluated: 2024-05-29. Review status: criteria provided, single submitter. Criteria: Ambry Variant Classification Scheme 2023. Collection method: clinical testing. Allele origin: germline.

Blueprint Genetics
Classification: Uncertain significance. Last evaluated: 2021-09-14. Review status: criteria provided, single submitter. Criteria: ACMG Guidelines, 2015. Collection method: clinical testing. Allele origin: germline.